The following is an entry in ClinVar:

NM_004329.3(BMPR1A):c.1008T>A (p.Tyr336Ter)

Gene: BMPR1A (bone morphogenetic protein receptor type 1A; plus strand). Cytogenetic location: 10q23.2.
Variant type: single nucleotide variant.
Coding change: c.1008T>A on transcript NM_004329.3 (MANE Select); coding-DNA position 1008, T replaced by A.
Protein change: p.Tyr336Ter; replaces tyrosine 336 with a stop codon.
Molecular consequence: nonsense. On other transcripts: non-coding transcript variant (3).
Genome position (GRCh38, 1-based): chr10:86,919,311, T>A. VCF-style: chr10-86919311-T-A. GRCh37 (hg19) VCF-style: chr10-88679068-T-A.
Other names: c.1083T>A, p.Tyr361Ter (NM_001406559.1); c.1056T>A, p.Tyr352Ter (NM_001406560.1); c.1008T>A, p.Tyr336Ter (NM_001406561.1, NM_001406562.1, NM_001406563.1 and 19 more transcripts); c.1002T>A, p.Tyr334Ter (NM_001406583.1); c.924T>A, p.Tyr308Ter (NM_001406584.1, NM_001406585.1, NM_001406586.1 and 2 more transcripts); c.666T>A, p.Tyr222Ter (NM_001406589.1); short protein forms Y352*, Y222*, Y308*, Y336*, Y334*, Y361*.
Identifiers: ClinVar variation 4623370 (VCV004623370.1).
Genomic context (GRCh38, chr10:86,919,311, plus strand): 5'-TCTCTATGACTTCCTGAAATGTGCTACACTGGACACCAGAGCCCTGCTTAAATTGGCTTA[T>A]TCAGCTGCCTGTGGTCTGTGCCACCTGCACACAGAAATTTATGGCACCCAAGGAAAGCCC-3'

ClinVar aggregate classification (germline): Pathogenic (1 of 4 stars; one submission).

Conditions:
Hereditary cancer-predisposing syndrome. Also called: Neoplastic Syndromes, Hereditary; Tumor predisposition; Hereditary Cancer Syndrome; Hereditary neoplastic syndrome. Identifiers: Orphanet 140162, MedGen C0027672, MeSH D009386, MONDO:0015356.

Submission:

Ambry Genetics
Classification: Pathogenic for Hereditary cancer-predisposing syndrome. Last evaluated: 2025-10-27. Review status: criteria provided, single submitter. Criteria: Ambry Variant Classification Scheme 2023. Collection method: clinical testing. Allele origin: germline.
Comment: The p.Y336* pathogenic mutation (also known as c.1008T>A), located in coding exon 8 of the BMPR1A gene, results from a T to A substitution at nucleotide position 1008. This changes the amino acid from a tyrosine to a stop codon within coding exon 8. This variant was reported in individual(s) with features consistent with BMPR1A-related juvenile polyposis syndrome (Ambry internal data). This variant is considered to be rare based on population cohorts in the Genome Aggregation Database (gnomAD). This alteration is expected to result in loss of function by premature protein truncation or nonsense-mediated mRNA decay. As such, this alteration is interpreted as a disease-causing mutation.